The following is an entry in ClinVar:

ClinVar aggregate classification (germline): Likely pathogenic (1 of 4 stars; one submission).

Conditions:
Primary ciliary dyskinesia. Also called: Ciliary dyskinesia. Identifiers: Orphanet 244, MedGen C0008780, MONDO:0016575, HP:0012265.

Submission:

Department of Human Genetics, Hannover Medical School
Classification: Likely pathogenic for Primary Ciliary Dyskinesia. Last evaluated: 2026-04-01. Review status: criteria provided, single submitter. Criteria: ACMG Guidelines, 2015. Collection method: research. Allele origin: germline. Affected: no.
Comment: Classification performed by HerediClassify using the following criteria:['PM2_supporting: Variant occures does not occur as homozygous in gnomAD.', 'PVS1_protein_strong: Transcript ENST00000355329 is not predicted to undergo NMD. Protein length change of 0.8666666666666667 observed.', "PP4_supporting: The PICADAR socre of 5.0 exceeds threshold of 5 achieving 'supporting' evidence strength."]

NM_173855.5(MORN3):c.26del (p.Lys9fs)

Gene: MORN3 (MORN repeat containing 3; minus strand). Cytogenetic location: 12q24.31.
Variant type: Deletion.
Coding change: c.26del on transcript NM_173855.5 (MANE Select); coding-DNA position 26, one base deleted (A; older notation c.26delA).
Protein change: p.Lys9fs; shifts the reading frame from lysine 9.
Molecular consequence: frameshift variant.
Genome position (GRCh38, 1-based): chr12:121,669,458, T deleted on the plus strand (A on the coding strand, the reverse complement: MORN3 is on the minus strand); the first of 6 consecutive T bases (chr12:121,669,458-121,669,463); deleting any one gives the same sequence. VCF-style (leftmost placement, unchanged base first): chr12-121669457-CT-C. GRCh37 (hg19) VCF-style: chr12-122107363-CT-C.
Other names: c.26del, p.Lys9fs (NM_001363685.2); short protein forms K9fs.
Identifiers: ClinVar variation 4880100 (VCV004880100.1).